The following is an entry in ClinVar:

ClinVar aggregate classification (germline): Conflicting classifications of pathogenicity. Review status: criteria provided, conflicting classifications (1 of 4 stars). 3 submissions from 3 submitters: Uncertain significance (2); Likely benign (1). Last evaluated 2026-08-27.

Conditions:
Rubinstein-Taybi syndrome (RSTS). Identifiers: Orphanet 783, MedGen C0035934, MONDO:0019188.
CREBBP-related disorder. Also called: CREBBP-related condition; CREBBP-related disorders.

Allele frequency attached by ClinVar (database versions not stated): ExAC 0.00002; gnomAD exomes 0.00002 and 0.00006; TOPMed 0.00002; gnomAD 0.00003.
gnomAD v4.1: 83 of 1,613,230 alleles (0.0051%); highest among the groups gnomAD compares: Non-Finnish European, 0.0069%; no homozygotes.

Submissions (3):

PreventionGenetics, part of Exact Sciences
Classification: Uncertain significance for CREBBP-related condition. Last evaluated: 2026-08-27. Review status: criteria provided, single submitter. Criteria: ACMG Guidelines, 2015. Collection method: clinical testing. Allele origin: germline.
Comment: The CREBBP c.6596A>T variant is predicted to result in the amino acid substitution p.Gln2199Leu. To our knowledge, this variant has not been reported in the literature. This variant is reported in 0.0055% of alleles in individuals of European (Non-Finnish) descent in gnomAD. At this time, the clinical significance of this variant is uncertain due to the absence of conclusive functional and genetic evidence.

Labcorp Genetics (formerly Invitae), Labcorp
Classification: Uncertain significance for Rubinstein-Taybi syndrome. Last evaluated: 2025-10-23. Review status: criteria provided, single submitter. Criteria: Invitae Variant Classification Sherloc (09022015). Collection method: clinical testing. Allele origin: germline.
Comment: This sequence change replaces glutamine, which is neutral and polar, with leucine, which is neutral and non-polar, at codon 2199 of the CREBBP protein (p.Gln2199Leu). The frequency data for this variant in the population databases is considered unreliable, as metrics indicate poor data quality at this position in the gnomAD database. This variant has not been reported in the literature in individuals affected with CREBBP-related conditions. ClinVar contains an entry for this variant (Variation ID: 1346824). Invitae Evidence Modeling of protein sequence and biophysical properties (such as structural, functional, and spatial information, amino acid conservation, physicochemical variation, residue mobility, and thermodynamic stability) indicates that this missense variant is not expected to disrupt CREBBP protein function with a negative predictive value of 95%. In summary, the available evidence is currently insufficient to determine the role of this variant in disease. Therefore, it has been classified as a Variant of Uncertain Significance.

Blueprint Genetics
Classification: Likely benign. Last evaluated: 2024-11-21. Review status: criteria provided, single submitter. Criteria: ACMG Guidelines, 2015. Collection method: clinical testing. Allele origin: germline.

NM_004380.3(CREBBP):c.6596A>T (p.Gln2199Leu)

Gene: CREBBP (CREB binding lysine acetyltransferase; minus strand). Cytogenetic location: 16p13.3.
Variant type: single nucleotide variant.
Coding change: c.6596A>T on transcript NM_004380.3 (MANE Select); coding-DNA position 6596, A replaced by T.
Protein change: p.Gln2199Leu; replaces glutamine 2199 with leucine.
Molecular consequence: missense variant.
Genome position (GRCh38, 1-based): chr16:3,728,451, T>A on the plus strand (A>T on the coding strand, the complement: CREBBP is on the minus strand). VCF-style: chr16-3728451-T-A. GRCh37 (hg19) VCF-style: chr16-3778452-T-A.
Other names: c.6482A>T, p.Gln2161Leu (NM_001079846.1); c.6596A>T (NM_004380.2); short protein forms Q2161L, Q2199L.
Identifiers: ClinVar variation 1346824 (VCV001346824.10), dbSNP rs765821935, ClinGen allele CA7869072.